The following is an entry in ClinVar:

ClinVar aggregate classification (germline): Likely pathogenic (1 of 4 stars; one submission).

Conditions:
Very long chain acyl-CoA dehydrogenase deficiency (ACADVLD). Also called: VLCAD Deficiency; Very Long-Chain Acyl-Coenzyme A Dehydrogenase Deficiency. Identifiers: Orphanet 26793, MedGen C3887523, MONDO:0008723, OMIM 201475.

Submission:

Myriad Genetics, Inc.
Classification: Likely pathogenic for Very long chain acyl-CoA dehydrogenase deficiency. Last evaluated: 2026-07-14. Review status: criteria provided, single submitter. Criteria: Myriad Autosomal Dominant, Autosomal Recessive and X-Linked Classification Criteria (2023). Collection method: clinical testing. Allele origin: unknown.
Comment: NM_000018.3(ACADVL):c.1679-2A>G is a variant in a canonical splice site classified as likely pathogenic in the context of very-long-chain acyl-CoA dehydrogenase deficiency. c.1679-2A>G has not been observed in cases with relevant disease. Relevant functional assessments of this variant are not available in the literature. c.1679-2A>G has not been observed in referenced population frequency databases. In summary, NM_000018.3(ACADVL):c.1679-2A>G is a variant in a canonical splice site in a gene where loss of function is a known mechanism of disease and is predicted to disrupt protein function. Please note: this variant was assessed in the context of healthy population screening.

NM_000018.4(ACADVL):c.1679-2A>G

Gene: ACADVL (acyl-CoA dehydrogenase very long chain; plus strand). Cytogenetic location: 17p13.1.
Variant type: single nucleotide variant.
Coding change: c.1679-2A>G on transcript NM_000018.4 (MANE Select); the canonical splice acceptor site of the intron before coding-DNA position 1679, A replaced by G.
Molecular consequence: splice acceptor variant.
Genome position (GRCh38, 1-based): chr17:7,224,640, A>G. VCF-style: chr17-7224640-A-G. GRCh37 (hg19) VCF-style: chr17-7127959-A-G.
Other names: c.1748-2A>G (NM_001270447.2); c.1451-2A>G (NM_001270448.2); c.1613-2A>G (NM_001033859.3).
Identifiers: ClinVar variation 5003581 (VCV005003581.1).